The following is an entry in ClinVar:

ClinVar aggregate classification (germline): Uncertain significance (1 of 4 stars; one submission).

gnomAD v4.1: 5 of 1,613,744 alleles (0.00031%); highest among the groups gnomAD compares: Non-Finnish European, 0.00042%; no homozygotes.

Submission:

GeneDx
Classification: Uncertain significance. Last evaluated: 2024-02-22. Review status: criteria provided, single submitter. Criteria: GeneDx Variant Classification Process June 2021. Collection method: clinical testing. Allele origin: germline. Affected: yes.
Comment: Not observed at significant frequency in large population cohorts (gnomAD); In silico analysis supports that this missense variant has a deleterious effect on protein structure/function; Has not been previously published as pathogenic or benign to our knowledge

NM_001042545.2(LTBP4):c.301C>G (p.Arg101Gly)

Gene: LTBP4 (latent transforming growth factor beta binding protein 4; plus strand). Cytogenetic location: 19q13.2.
Variant type: single nucleotide variant.
Coding change: c.301C>G on transcript NM_001042545.2 (MANE Select); coding-DNA position 301, C replaced by G.
Protein change: p.Arg101Gly; replaces arginine 101 with glycine.
Molecular consequence: missense variant.
Genome position (GRCh38, 1-based): chr19:40,605,085, C>G. VCF-style: chr19-40605085-C-G. GRCh37 (hg19) VCF-style: chr19-41110991-C-G.
Other names: c.502C>G, p.Arg168Gly (NM_001042544.1); c.391C>G, p.Arg131Gly (NM_003573.2); short protein forms R101G, R131G, R168G.
Identifiers: ClinVar variation 3369580 (VCV003369580.1).